The following is an entry in ClinVar:

NM_003901.4(SGPL1):c.1087T>C (p.Leu363=)

Gene: SGPL1 (sphingosine-1-phosphate lyase 1; plus strand). Cytogenetic location: 10q22.1.
Variant type: single nucleotide variant.
Coding change: c.1087T>C on transcript NM_003901.4 (MANE Select); coding-DNA position 1087, T replaced by C.
Protein change: p.Leu363=; no amino-acid change (leucine 363 retained).
Molecular consequence: synonymous variant.
Genome position (GRCh38, 1-based): chr10:70,873,378, T>C. VCF-style: chr10-70873378-T-C. GRCh37 (hg19) VCF-style: chr10-72633135-T-C.
Other names: c.1087T>C (NM_003901.3).
Identifiers: ClinVar variation 2184840 (VCV002184840.6), dbSNP rs376610531, ClinGen allele CA5541377.

ClinVar aggregate classification (germline): Likely benign. Review status: criteria provided, single submitter (1 of 4 stars). 2 submissions from 2 submitters: Likely benign (1). 1 of the submissions does not count toward it. Last evaluated 2026-01-24.

Conditions:
SGPL1-related disorder. Also called: SGPL1-related condition. Identifiers: MedGen CN380158.

Allele frequency attached by ClinVar (database versions not stated): ExAC 0.00006; gnomAD 0.00006; ESP Exome Variant Server 0.00008; TOPMed 0.00009; gnomAD exomes 0.00012; 1000 Genomes Project 0.00040; 1000 Genomes Project 30x 0.00047.
gnomAD v4.1: 191 of 1,614,004 alleles (0.012%); highest among the groups gnomAD compares: Middle Eastern, 0.049%; no homozygotes.

Submissions (2):

Labcorp Genetics (formerly Invitae), Labcorp
Classification: Likely benign. Last evaluated: 2026-01-24. Review status: criteria provided, single submitter. Criteria: Invitae Variant Classification Sherloc (09022015). Collection method: clinical testing. Allele origin: germline.

PreventionGenetics, part of Exact Sciences
Classification: Likely benign for SGPL1-related condition. Last evaluated: 2021-06-08. Review status: no assertion criteria provided. Collection method: clinical testing. Allele origin: germline. Not counted in ClinVar's aggregate classification.
Comment: This variant is classified as likely benign based on ACMG/AMP sequence variant interpretation guidelines (Richards et al. 2015 PMID: 25741868, with internal and published modifications).